The following is an entry in ClinVar:

NM_172362.3(KCNH1):c.700T>C (p.Leu234=)

Gene: KCNH1 (potassium voltage-gated channel subfamily H member 1; minus strand). Cytogenetic location: 1q32.2.
Variant type: single nucleotide variant.
Coding change: c.700T>C on transcript NM_172362.3 (MANE Select); coding-DNA position 700, T replaced by C.
Protein change: p.Leu234=; no amino-acid change (leucine 234 retained).
Molecular consequence: synonymous variant.
Genome position (GRCh38, 1-based): chr1:211,019,115, A>G on the plus strand (T>C on the coding strand, the complement: KCNH1 is on the minus strand). VCF-style: chr1-211019115-A-G. GRCh37 (hg19) VCF-style: chr1-211192457-A-G.
Other names: c.700T>C, p.Leu234= (NM_002238.4).
Identifiers: ClinVar variation 2170010 (VCV002170010.28), dbSNP rs763362705, ClinGen allele CA1379975.
Genomic context (GRCh38, chr1:211,019,115, plus strand): 5'-CAACAACCAGCCAGGCCACATTATTCTGCCTGGTTTTGAAGGAGACATTATAAGGGACCA[A>G]GATGGCTGTATAGAAGGTCAAGATCAAGATGATCCAATCCCACGTGGTCTTAAAAACACA-3'
Protein context (NP_758872.1, residues 224-244): ILILTFYTAI[Leu234=]VPYNVSFKTR

ClinVar aggregate classification (germline): Likely benign. Review status: criteria provided, multiple submitters, no conflicts (2 of 4 stars). 2 submissions from 2 submitters: Likely benign (2). Last evaluated 2025-11-07.

Allele frequency attached by ClinVar (database versions not stated): TOPMed below 0.00001; ExAC 0.00001; gnomAD 0.00001; gnomAD exomes 0.00001.
gnomAD v4.1: 12 of 1,613,966 alleles (0.00074%); highest among the groups gnomAD compares: African/African-American, 0.004%; no homozygotes.

Submissions (2):

Labcorp Genetics (formerly Invitae), Labcorp
Classification: Likely benign. Last evaluated: 2025-11-07. Review status: criteria provided, single submitter. Criteria: Invitae Variant Classification Sherloc (09022015). Collection method: clinical testing. Allele origin: germline.

CeGaT Center for Human Genetics Tuebingen
Classification: Likely benign. Last evaluated: 2023-10-01. Review status: criteria provided, single submitter. Criteria: CeGaT Center For Human Genetics Tuebingen Variant Classification Criteria Version 2. Collection method: clinical testing. Allele origin: germline. Affected: yes. Observed: 1 variant allele.
Comment: KCNH1: BP4, BP7